The following is an entry in ClinVar:

ClinVar aggregate classification (germline): Uncertain significance (1 of 4 stars; one submission).

Conditions:
Hereditary cancer-predisposing syndrome. Also called: Neoplastic Syndromes, Hereditary; Tumor predisposition; Hereditary Cancer Syndrome; Hereditary neoplastic syndrome. Identifiers: Orphanet 140162, MedGen C0027672, MeSH D009386, MONDO:0015356.

Submission:

Ambry Genetics
Classification: Uncertain significance for Hereditary cancer-predisposing syndrome. Last evaluated: 2026-06-14. Review status: criteria provided, single submitter. Criteria: Ambry Variant Classification Scheme 2023. Collection method: clinical testing. Allele origin: germline.
Comment: The p.M144K variant (also known as c.431T>A), located in coding exon 4 of the POT1 gene, results from a T to A substitution at nucleotide position 431. The methionine at codon 144 is replaced by lysine, an amino acid with similar properties. This amino acid position is conserved. In addition, this alteration is predicted to be tolerated by in silico analysis. Based on the available evidence, the clinical significance of this variant remains unclear.

NM_015450.3(POT1):c.431T>A (p.Met144Lys)

Gene: POT1 (protection of telomeres 1; minus strand). Cytogenetic location: 7q31.33.
Variant type: single nucleotide variant.
Coding change: c.431T>A on transcript NM_015450.3 (MANE Select); coding-DNA position 431, T replaced by A.
Protein change: p.Met144Lys; replaces methionine 144 with lysine.
Molecular consequence: missense variant. On other transcripts: non-coding transcript variant (3).
Genome position (GRCh38, 1-based): chr7:124,863,465, A>T on the plus strand (T>A on the coding strand, the complement: POT1 is on the minus strand). VCF-style: chr7-124863465-A-T. GRCh37 (hg19) VCF-style: chr7-124503519-A-T.
Other names: c.38T>A, p.Met13Lys (NM_001042594.2); short protein forms M13K, M144K.
Identifiers: ClinVar variation 4862413 (VCV004862413.1).